The following is an entry in ClinVar:

ClinVar aggregate classification (germline): Uncertain significance (1 of 4 stars; one submission).

Allele frequency attached by ClinVar (database versions not stated): gnomAD exomes 0.00006; gnomAD 0.00008 and 0.00009; TOPMed 0.00009; ExAC 0.00010; ESP Exome Variant Server 0.00023.
gnomAD v4.1: 101 of 1,607,986 alleles (0.0063%); highest among the groups gnomAD compares: Non-Finnish European, 0.0083%; no homozygotes.

Submission:

Labcorp Genetics (formerly Invitae), Labcorp
Classification: Uncertain significance. Last evaluated: 2022-10-28. Review status: criteria provided, single submitter. Criteria: Invitae Variant Classification Sherloc (09022015). Collection method: clinical testing. Allele origin: germline.
Comment: This sequence change falls in intron 2 of the C2CD3 gene. It does not directly change the encoded amino acid sequence of the C2CD3 protein. It affects a nucleotide within the consensus splice site. This variant is present in population databases (rs201756732, gnomAD 0.02%). This variant has not been reported in the literature in individuals affected with C2CD3-related conditions. ClinVar contains an entry for this variant (Variation ID: 1473468). Variants that disrupt the consensus splice site are a relatively common cause of aberrant splicing (PMID: 17576681, 9536098). Algorithms developed to predict the effect of sequence changes on RNA splicing suggest that this variant is not likely to affect RNA splicing. In summary, the available evidence is currently insufficient to determine the role of this variant in disease. Therefore, it has been classified as a Variant of Uncertain Significance.

Literature cited by the submitters: PubMed 17576681; PubMed 9536098.

NM_001286577.2(C2CD3):c.325+5G>A

Gene: C2CD3 (C2 domain containing 3 centriole elongation regulator; minus strand). Cytogenetic location: 11q13.4.
Variant type: single nucleotide variant.
Coding change: c.325+5G>A on transcript NM_001286577.2 (MANE Select); 5 bases into the intron after coding-DNA position 325, G replaced by A.
Molecular consequence: intron variant.
Genome position (GRCh38, 1-based): chr11:74,168,339, C>T on the plus strand (G>A on the coding strand, the complement: C2CD3 is on the minus strand). VCF-style: chr11-74168339-C-T. GRCh37 (hg19) VCF-style: chr11-73879384-C-T.
Other names: c.325+5G>A (NM_015531.6).
Identifiers: ClinVar variation 1473468 (VCV001473468.3), dbSNP rs201756732, ClinGen allele CA6183270.